The following is an entry in ClinVar:

ClinVar aggregate classification (germline): Uncertain significance (1 of 4 stars; one submission).

Allele frequency attached by ClinVar (database versions not stated): gnomAD exomes 0.00007; 1000 Genomes Project 30x 0.00016; ExAC 0.00020; gnomAD 0.00043 and 0.00048; ESP Exome Variant Server 0.00044; TOPMed 0.00044.
gnomAD v4.1: 167 of 1,551,648 alleles (0.011%); highest among the groups gnomAD compares: African/African-American, 0.11%; no homozygotes.

Submission:

GeneDx
Classification: Uncertain significance. Last evaluated: 2019-11-12. Review status: criteria provided, single submitter. Criteria: GeneDx Variant Classification Process June 2021. Collection method: clinical testing. Allele origin: germline. Affected: yes.
Comment: In silico analysis, which includes protein predictors and evolutionary conservation, supports that this variant does not alter protein structure/function; Has not been previously published as pathogenic or benign to our knowledge

NM_001129820.2(SLFN14):c.2552C>T (p.Pro851Leu)

Gene: SLFN14 (schlafen family member 14; minus strand). Cytogenetic location: 17q12.
Variant type: single nucleotide variant.
Coding change: c.2552C>T on transcript NM_001129820.2 (MANE Select); coding-DNA position 2552, C replaced by T.
Protein change: p.Pro851Leu; replaces proline 851 with leucine.
Molecular consequence: missense variant.
Genome position (GRCh38, 1-based): chr17:35,548,426, G>A on the plus strand (C>T on the coding strand, the complement: SLFN14 is on the minus strand). VCF-style: chr17-35548426-G-A. GRCh37 (hg19) VCF-style: chr17-33875445-G-A.
Other names: short protein forms P851L.
Identifiers: ClinVar variation 1310115 (VCV001310115.2), dbSNP rs375612069, ClinGen allele CA8504537.